The following is an entry in ClinVar:

ClinVar aggregate classification (germline): Uncertain significance. Review status: criteria provided, multiple submitters, no conflicts (2 of 4 stars). 2 submissions from 2 submitters: Uncertain significance (2). Last evaluated 2026-03-31.

Conditions:
CEP290-related disorder. Also called: CEP290-related condition; CEP290-related disorders. Identifiers: MedGen CN239314.
Inborn genetic diseases. Identifiers: MedGen C0950123, MeSH D030342.

gnomAD v4.1: 5 of 1,549,030 alleles (0.00032%); highest among the groups gnomAD compares: African/African-American, 0.0014%; no homozygotes.

Submissions (2):

Ambry Genetics
Classification: Uncertain significance for Inborn genetic diseases. Last evaluated: 2026-03-31. Review status: criteria provided, single submitter. Criteria: Ambry Variant Classification Scheme 2023. Collection method: clinical testing. Allele origin: germline.

PreventionGenetics, part of Exact Sciences
Classification: Uncertain significance for CEP290-related condition. Last evaluated: 2025-05-12. Review status: criteria provided, single submitter. Criteria: ACMG Guidelines, 2015. Collection method: clinical testing. Allele origin: germline.
Comment: The CEP290 c.7247T>C variant is predicted to result in the amino acid substitution p.Phe2416Ser. To our knowledge, this variant has not been reported in the literature or in a large population database (gnomAD), indicating this variant is rare. At this time, the clinical significance of this variant is uncertain due to the absence of conclusive functional and genetic evidence.

NM_025114.4(CEP290):c.7247T>C (p.Phe2416Ser)

Genes: RLIG1 (RNA 5'-phosphate and 3'-OH ligase 1; plus strand), CEP290 (centrosomal protein 290; minus strand). Cytogenetic location: 12q21.32.
Variant type: single nucleotide variant.
Coding change: c.7247T>C on transcript NM_025114.4 (MANE Select); coding-DNA position 7247, T replaced by C.
Protein change: p.Phe2416Ser; replaces phenylalanine 2416 with serine.
Molecular consequence: missense variant. On other transcripts: 3 prime UTR variant (1).
Genome position (GRCh38, 1-based): chr12:88,049,377, A>G on the plus strand (T>C on the coding strand, the complement: CEP290 is on the minus strand). VCF-style: chr12-88049377-A-G. GRCh37 (hg19) VCF-style: chr12-88443154-A-G.
Other names: c.*955A>G (NM_001009894.3); short protein forms F2416S.
Identifiers: ClinVar variation 4868734 (VCV004868734.2).